The following is an entry in ClinVar:

NM_020207.7(ERCC6L2):c.290G>A (p.Arg97Gln)

Gene: ERCC6L2 (ERCC excision repair 6 like 2; plus strand). Cytogenetic location: 9q22.32.
Variant type: single nucleotide variant.
Coding change: c.290G>A on transcript NM_020207.7 (MANE Select); coding-DNA position 290, G replaced by A.
Protein change: p.Arg97Gln; replaces arginine 97 with glutamine.
Molecular consequence: missense variant. On other transcripts: non-coding transcript variant (1).
Genome position (GRCh38, 1-based): chr9:95,881,112, G>A. VCF-style: chr9-95881112-G-A. GRCh37 (hg19) VCF-style: chr9-98643394-G-A.
Other names: c.290G>A, p.Arg97Gln (NM_001010895.4, NM_001375291.1, NM_001375292.1 and 2 more transcripts); short protein forms R97Q.
Identifiers: ClinVar variation 1411895 (VCV001411895.5), dbSNP rs747031724, ClinGen allele CA5139264.

ClinVar aggregate classification (germline): Uncertain significance. Review status: criteria provided, multiple submitters, no conflicts (2 of 4 stars). 2 submissions from 2 submitters: Uncertain significance (2). Last evaluated 2024-12-28.

Conditions:
Inborn genetic diseases. Identifiers: MedGen C0950123, MeSH D030342.

Allele frequency attached by ClinVar (database versions not stated): TOPMed below 0.00001; gnomAD 0.00001; gnomAD exomes 0.00001 and 0.00002; ExAC 0.00003.
gnomAD v4.1: 12 of 1,613,088 alleles (0.00074%); highest among the groups gnomAD compares: Admixed American, 0.005%; no homozygotes.

Submissions (2):

Ambry Genetics
Classification: Uncertain significance for Inborn genetic diseases. Last evaluated: 2024-12-28. Review status: criteria provided, single submitter. Criteria: Ambry Variant Classification Scheme 2023. Collection method: clinical testing. Allele origin: germline.
Comment: The p.R97Q variant (also known as c.290G>A), located in coding exon 2 of the ERCC6L2 gene, results from a G to A substitution at nucleotide position 290. The arginine at codon 97 is replaced by glutamine, an amino acid with highly similar properties. This amino acid position is conserved. In addition, this alteration is predicted to be tolerated by in silico analysis. Based on the available evidence, the clinical significance of this variant remains unclear.

Labcorp Genetics (formerly Invitae), Labcorp
Classification: Uncertain significance. Last evaluated: 2023-12-19. Review status: criteria provided, single submitter. Criteria: Invitae Variant Classification Sherloc (09022015). Collection method: clinical testing. Allele origin: germline.
Comment: This sequence change replaces arginine, which is basic and polar, with glutamine, which is neutral and polar, at codon 108 of the ERCC6L2 protein (p.Arg108Gln). This variant is present in population databases (rs747031724, gnomAD 0.007%). This variant has not been reported in the literature in individuals affected with ERCC6L2-related conditions. ClinVar contains an entry for this variant (Variation ID: 1411895). Algorithms developed to predict the effect of missense changes on protein structure and function output the following: SIFT: "Not Available"; PolyPhen-2: "Not Available"; Align-GVGD: "Not Available". The glutamine amino acid residue is found in multiple mammalian species, which suggests that this missense change does not adversely affect protein function. In summary, the available evidence is currently insufficient to determine the role of this variant in disease. Therefore, it has been classified as a Variant of Uncertain Significance.